The following is an entry in ClinVar:

ClinVar aggregate classification (germline): Uncertain significance (1 of 4 stars; one submission).

Conditions:
Developmental and epileptic encephalopathy, 42 (DEE42A). Also called: DEVELOPMENTAL AND EPILEPTIC ENCEPHALOPATHY 42A; EPILEPTIC ENCEPHALOPATHY, EARLY INFANTILE, 42A; Epileptic encephalopathy, early infantile, 42. Identifiers: MedGen C4310716, MONDO:0014917, OMIM 617106.
Episodic ataxia type 2 (EA2). Also called: EPISODIC ATAXIA, NYSTAGMUS-ASSOCIATED; ACETAZOLAMIDE-RESPONSIVE HEREDITARY PAROXYSMAL CEREBELLAR ATAXIA; ATAXIA, EPISODIC, WITH NYSTAGMUS; ATAXIA, FAMILIAL PAROXYSMAL; CEREBELLAR ATAXIA, PAROXYSMAL, ACETAZOLAMIDE-RESPONSIVE; CEREBELLOPATHY, HEREDITARY PAROXYSMAL. Identifiers: Orphanet 97, MedGen C1720416, MONDO:0007163, OMIM 108500.

gnomAD v4.1: 1 of 1,613,314 alleles (0.000062%); highest among the groups gnomAD compares: Non-Finnish European, 0.000085%; no homozygotes.

Submission:

Labcorp Genetics (formerly Invitae), Labcorp
Classification: Uncertain significance for Developmental and epileptic encephalopathy, 42; Episodic ataxia type 2. Last evaluated: 2020-06-03. Review status: criteria provided, single submitter. Criteria: Invitae Variant Classification Sherloc (09022015). Collection method: clinical testing. Allele origin: germline.
Comment: This sequence change replaces aspartic acid with histidine at codon 1054 of the CACNA1A protein (p.Asp1054His). The aspartic acid residue is moderately conserved and there is a moderate physicochemical difference between aspartic acid and histidine. This variant is not present in population databases (ExAC no frequency). This variant has not been reported in the literature in individuals with CACNA1A-related conditions. Algorithms developed to predict the effect of missense changes on protein structure and function are either unavailable or do not agree on the potential impact of this missense change (SIFT: "Deleterious"; PolyPhen-2: "Possibly Damaging"; Align-GVGD: "Class C0"). In summary, the available evidence is currently insufficient to determine the role of this variant in disease. Therefore, it has been classified as a Variant of Uncertain Significance.

NM_001127222.2(CACNA1A):c.3157G>C (p.Asp1053His)

Gene: CACNA1A (calcium voltage-gated channel subunit alpha1 A; minus strand). Cytogenetic location: 19p13.13.
Variant type: single nucleotide variant.
Coding change: c.3157G>C on transcript NM_001127222.2 (MANE Select); coding-DNA position 3157, G replaced by C.
Protein change: p.Asp1053His; replaces aspartic acid 1053 with histidine.
Molecular consequence: missense variant.
Genome position (GRCh38, 1-based): chr19:13,286,899, C>G on the plus strand (G>C on the coding strand, the complement: CACNA1A is on the minus strand). VCF-style: chr19-13286899-C-G. GRCh37 (hg19) VCF-style: chr19-13397713-C-G.
Other names: c.3169G>C, p.Asp1057His (NM_000068.4, NM_023035.3); c.3160G>C, p.Asp1054His (NM_001127221.2, NM_001174080.2); short protein forms D1053H, D1054H, D1057H.
Identifiers: ClinVar variation 1064215 (VCV001064215.9), dbSNP rs2144889174, ClinGen allele CA404341950.